The following is an entry in ClinVar:

NM_014334.4(FRRS1L):c.64G>A (p.Gly22Arg)

Gene: FRRS1L (ferric chelate reductase 1 like; minus strand). Cytogenetic location: 9q31.3.
Variant type: single nucleotide variant.
Coding change: c.64G>A on transcript NM_014334.4 (MANE Select); coding-DNA position 64, G replaced by A.
Protein change: p.Gly22Arg; replaces glycine 22 with arginine.
Molecular consequence: missense variant.
Genome position (GRCh38, 1-based): chr9:109,167,075, C>T on the plus strand (G>A on the coding strand, the complement: FRRS1L is on the minus strand). VCF-style: chr9-109167075-C-T. GRCh37 (hg19) VCF-style: chr9-111929355-C-T.
Other names: short protein forms G22R.
Identifiers: ClinVar variation 846994 (VCV000846994.10), dbSNP rs1831564172, ClinGen allele CA374430576.

ClinVar aggregate classification (germline): Uncertain significance (1 of 4 stars; one submission).

Conditions:
Developmental and epileptic encephalopathy, 37 (DEE37). Also called: Epileptic encephalopathy, early infantile, 37. Identifiers: MedGen C4310770, MONDO:0014859, OMIM 616981.

Allele frequency attached by ClinVar (database versions not stated): gnomAD exomes below 0.00001.
gnomAD v4.1: 1 of 1,179,044 alleles (0.000085%); highest among the groups gnomAD compares: Non-Finnish European, 0.0001%; no homozygotes.

Submission:

Labcorp Genetics (formerly Invitae), Labcorp
Classification: Uncertain significance for Developmental and epileptic encephalopathy, 37. Last evaluated: 2020-03-05. Review status: criteria provided, single submitter. Criteria: Invitae Variant Classification Sherloc (09022015). Collection method: clinical testing. Allele origin: germline.
Comment: In summary, the available evidence is currently insufficient to determine the role of this variant in disease. Therefore, it has been classified as a Variant of Uncertain Significance. Algorithms developed to predict the effect of missense changes on protein structure and function are either unavailable or do not agree on the potential impact of this missense change (SIFT: "Tolerated"; PolyPhen-2: "Probably Damaging"; Align-GVGD: "Class C0"). This variant has not been reported in the literature in individuals with FRRS1L-related conditions. The frequency data for this variant in the population databases is considered unreliable, as metrics indicate insufficient coverage at this position in the ExAC database. This sequence change replaces glycine with arginine at codon 73 of the FRRS1L protein (p.Gly73Arg). The glycine residue is weakly conserved and there is a moderate physicochemical difference between glycine and arginine.